The following is an entry in ClinVar:

NM_001127222.2(CACNA1A):c.913C>T (p.Leu305=)

Gene: CACNA1A (calcium voltage-gated channel subunit alpha1 A; minus strand). Cytogenetic location: 19p13.13.
Variant type: single nucleotide variant.
Coding change: c.913C>T on transcript NM_001127222.2 (MANE Select); coding-DNA position 913, C replaced by T.
Protein change: p.Leu305=; no amino-acid change (leucine 305 retained).
Molecular consequence: synonymous variant.
Genome position (GRCh38, 1-based): chr19:13,359,671, G>A on the plus strand (C>T on the coding strand, the complement: CACNA1A is on the minus strand). VCF-style: chr19-13359671-G-A. GRCh37 (hg19) VCF-style: chr19-13470485-G-A.
Other names: c.913C>T (NM_001127222.1); c.913C>T, p.Leu305= (NM_000068.4, NM_001127221.2, NM_001174080.2 and 1 more transcripts).
Identifiers: ClinVar variation 761134 (VCV000761134.15), dbSNP rs1599276914, ClinGen allele CA505660918.

ClinVar aggregate classification (germline): Conflicting classifications of pathogenicity. Review status: criteria provided, conflicting classifications (1 of 4 stars). 4 submissions from 4 submitters: Uncertain significance (1); Likely benign (2). 1 of the submissions does not count toward it. Last evaluated 2024-03-20.

Conditions:
Episodic ataxia type 2 (EA2). Also called: ATAXIA, EPISODIC, WITH NYSTAGMUS; ATAXIA, FAMILIAL PAROXYSMAL; CEREBELLAR ATAXIA, PAROXYSMAL, ACETAZOLAMIDE-RESPONSIVE; CEREBELLOPATHY, HEREDITARY PAROXYSMAL; EPISODIC ATAXIA, NYSTAGMUS-ASSOCIATED; ACETAZOLAMIDE-RESPONSIVE HEREDITARY PAROXYSMAL CEREBELLAR ATAXIA. Identifiers: Orphanet 97, MedGen C1720416, MONDO:0007163, OMIM 108500.
Developmental and epileptic encephalopathy, 42 (DEE42A). Also called: Epileptic encephalopathy, early infantile, 42; DEVELOPMENTAL AND EPILEPTIC ENCEPHALOPATHY 42A; EPILEPTIC ENCEPHALOPATHY, EARLY INFANTILE, 42A. Identifiers: MedGen C4310716, MONDO:0014917, OMIM 617106.
CACNA1A-related disorder. Also called: CACNA1A-related condition.

Allele frequency attached by ClinVar (database versions not stated): gnomAD exomes 0.00001.

Submissions (4):

Labcorp Genetics (formerly Invitae), Labcorp
Classification: Likely benign for Developmental and epileptic encephalopathy, 42; Episodic ataxia type 2. Last evaluated: 2024-03-20. Review status: criteria provided, single submitter. Criteria: Invitae Variant Classification Sherloc (09022015). Collection method: clinical testing. Allele origin: germline.

GeneDx
Classification: Uncertain significance. Last evaluated: 2023-10-02. Review status: criteria provided, single submitter. Criteria: GeneDx Variant Classification Process June 2021. Collection method: clinical testing. Allele origin: germline. Affected: yes.
Comment: Not observed at significant frequency in large population cohorts (gnomAD); In silico analysis supports that this variant does not alter splicing; Has not been previously published as pathogenic or benign to our knowledge

Blueprint Genetics
Classification: Likely benign. Last evaluated: 2019-07-31. Review status: criteria provided, single submitter. Criteria: ACMG Guidelines, 2015. Collection method: clinical testing. Allele origin: germline.

PreventionGenetics, part of Exact Sciences
Classification: Likely benign for CACNA1A-related condition. Last evaluated: 2019-04-24. Review status: no assertion criteria provided. Collection method: clinical testing. Allele origin: germline. Not counted in ClinVar's aggregate classification.
Comment: This variant is classified as likely benign based on ACMG/AMP sequence variant interpretation guidelines (Richards et al. 2015 PMID: 25741868, with internal and published modifications).